The following is an entry in ClinVar:

NM_001170629.2(CHD8):c.6248C>T (p.Ser2083Phe)

Gene: CHD8 (chromodomain helicase DNA binding protein 8; minus strand). Cytogenetic location: 14q11.2.
Variant type: single nucleotide variant.
Coding change: c.6248C>T on transcript NM_001170629.2 (MANE Select); coding-DNA position 6248, C replaced by T.
Protein change: p.Ser2083Phe; replaces serine 2083 with phenylalanine.
Molecular consequence: missense variant.
Genome position (GRCh38, 1-based): chr14:21,393,547, G>A on the plus strand (C>T on the coding strand, the complement: CHD8 is on the minus strand). VCF-style: chr14-21393547-G-A. GRCh37 (hg19) VCF-style: chr14-21861706-G-A.
Other names: c.5411C>T, p.Ser1804Phe (NM_020920.4); short protein forms S1804F, S2083F.
Identifiers: ClinVar variation 1307636 (VCV001307636.7), dbSNP rs545239905, ClinGen allele CA7090818.

ClinVar aggregate classification (germline): Conflicting classifications of pathogenicity. Review status: criteria provided, conflicting classifications (1 of 4 stars). 3 submissions from 3 submitters: Uncertain significance (1); Likely benign (2). Last evaluated 2026-01-05.

Conditions:
Inborn genetic diseases. Identifiers: MedGen C0950123, MeSH D030342.

Allele frequency attached by ClinVar (database versions not stated): gnomAD 0.00001; gnomAD exomes 0.00002 and 0.00005; TOPMed 0.00002; ExAC 0.00003; 1000 Genomes Project 30x 0.00016; 1000 Genomes Project 0.00020.
gnomAD v4.1: 14 of 1,608,058 alleles (0.00087%); highest among the groups gnomAD compares: Admixed American, 0.024%; no homozygotes.

Submissions (3):

Labcorp Genetics (formerly Invitae), Labcorp
Classification: Likely benign. Last evaluated: 2026-01-05. Review status: criteria provided, single submitter. Criteria: Invitae Variant Classification Sherloc (09022015). Collection method: clinical testing. Allele origin: germline.

Ambry Genetics
Classification: Likely benign for Inborn genetic diseases. Last evaluated: 2021-07-09. Review status: criteria provided, single submitter. Criteria: Ambry Variant Classification Scheme 2023. Collection method: clinical testing. Allele origin: germline.

GeneDx
Classification: Uncertain significance. Last evaluated: 2019-03-27. Review status: criteria provided, single submitter. Criteria: GeneDx Variant Classification Process June 2021. Collection method: clinical testing. Allele origin: germline. Affected: yes.
Comment: In silico analysis, which includes protein predictors and evolutionary conservation, supports a deleterious effect; Has not been previously published as pathogenic or benign to our knowledge